The following is an entry in ClinVar:

ClinVar aggregate classification (germline): Likely benign (0 of 4 stars; one submission).

Conditions:
BRCA1-related disorder. Also called: BRCA1-related condition.

gnomAD v4.1: 12 of 1,518,418 alleles (0.00079%); highest among the groups gnomAD compares: African/African-American, 0.015%; no homozygotes.

Submission:

PreventionGenetics, part of Exact Sciences
Classification: Likely benign for BRCA1-related condition. Last evaluated: 2022-08-03. Review status: no assertion criteria provided. Collection method: clinical testing. Allele origin: germline.
Comment: This variant is classified as likely benign based on ACMG/AMP sequence variant interpretation guidelines (Richards et al. 2015 PMID: 25741868, with internal and published modifications).

NM_007294.4(BRCA1):c.*99C>A

Gene: BRCA1 (BRCA1 DNA repair associated; minus strand). Cytogenetic location: 17q21.31.
Variant type: single nucleotide variant.
Coding change: c.*99C>A on transcript NM_007294.4 (MANE Select); 99 bases downstream of the stop codon, C replaced by A.
Molecular consequence: 3 prime UTR variant.
Genome position (GRCh38, 1-based): chr17:43,045,579, G>T on the plus strand (C>A on the coding strand, the complement: BRCA1 is on the minus strand). VCF-style: chr17-43045579-G-T. GRCh37 (hg19) VCF-style: chr17-41197596-G-T.
Other names: c.*99C>A (NM_001407571.1, NM_001407581.1, NM_001407582.1 and 347 more transcripts); c.*205C>A (NM_001407854.1, NM_001407858.1, NM_001407859.1 and 14 more transcripts).
Identifiers: ClinVar variation 3356079 (VCV003356079.1).